The following is an entry in ClinVar:

NM_016616.5(NME8):c.1216G>A (p.Val406Ile)

Gene: NME8 (NME/NM23 family member 8; plus strand). Cytogenetic location: 7p14.1.
Variant type: single nucleotide variant.
Coding change: c.1216G>A on transcript NM_016616.5 (MANE Select); coding-DNA position 1216, G replaced by A.
Protein change: p.Val406Ile; replaces valine 406 with isoleucine.
Molecular consequence: missense variant.
Genome position (GRCh38, 1-based): chr7:37,885,221, G>A. VCF-style: chr7-37885221-G-A. GRCh37 (hg19) VCF-style: chr7-37924823-G-A.
Other names: short protein forms V406I.
Identifiers: ClinVar variation 4629729 (VCV004629729.1).

ClinVar aggregate classification (germline): Uncertain significance (1 of 4 stars; one submission).

Conditions:
Primary ciliary dyskinesia. Also called: Ciliary dyskinesia. Identifiers: Orphanet 244, MedGen C0008780, MONDO:0016575, HP:0012265.

gnomAD v4.1: 1 of 1,612,938 alleles (0.000062%); no homozygotes.

Submission:

Ambry Genetics
Classification: Uncertain significance for Primary ciliary dyskinesia. Last evaluated: 2025-10-29. Review status: criteria provided, single submitter. Criteria: Ambry Variant Classification Scheme 2023. Collection method: clinical testing. Allele origin: germline.
Comment: The p.V406I variant (also known as c.1216G>A), located in coding exon 12 of the NME8 gene, results from a G to A substitution at nucleotide position 1216. The valine at codon 406 is replaced by isoleucine, an amino acid with highly similar properties. This amino acid position is conserved. In addition, this alteration is predicted to be tolerated by in silico analysis. Based on the available evidence, the clinical significance of this variant remains unclear.